The following is an entry in ClinVar:

ClinVar aggregate classification (germline): Likely benign (1 of 4 stars; one submission).

Allele frequency attached by ClinVar (database versions not stated): gnomAD exomes below 0.00001.
gnomAD v4.1: 1 of 1,614,234 alleles (0.000062%); highest among the groups gnomAD compares: Non-Finnish European, 0.000085%; no homozygotes.

Submission:

CeGaT Center for Human Genetics Tuebingen
Classification: Likely benign. Last evaluated: 2023-02-01. Review status: criteria provided, single submitter. Criteria: CeGaT Center For Human Genetics Tuebingen Variant Classification Criteria Version 2. Collection method: clinical testing. Allele origin: germline. Affected: yes. Observed: 1 variant allele.
Comment: TFRC: PM2:Supporting, BP4, BP7

NM_001128148.3(TFRC):c.1818A>G (p.Glu606=)

Gene: TFRC (transferrin receptor; minus strand). Cytogenetic location: 3q29.
Variant type: single nucleotide variant.
Coding change: c.1818A>G on transcript NM_001128148.3 (MANE Select); coding-DNA position 1818, A replaced by G.
Protein change: p.Glu606=; no amino-acid change (glutamic acid 606 retained).
Molecular consequence: synonymous variant.
Genome position (GRCh38, 1-based): chr3:196,055,161, T>C on the plus strand (A>G on the coding strand, the complement: TFRC is on the minus strand). VCF-style: chr3-196055161-T-C. GRCh37 (hg19) VCF-style: chr3-195782032-T-C.
Other names: c.1575A>G, p.Glu525= (NM_001313965.2); c.972A>G, p.Glu324= (NM_001313966.2); c.1818A>G, p.Glu606= (NM_003234.4).
Identifiers: ClinVar variation 2654507 (VCV002654507.24), dbSNP rs2473937293, ClinGen allele CA437726285.
Genomic context (GRCh38, chr3:196,055,161, plus strand): 5'-GTTCAGATCCCTCACAAATGAAAGCAGTTGGCTGTTGTACCTCTCATAGTCCAGGTTCAA[T>C]TCAACATCATGGGTTAGTTTAATCACGAACTGACCAGCGACCTCTGCAGCTGCTCGTGCC-3'
Protein context (NP_001121620.1, residues 596-616): QFVIKLTHDV[Glu606=]LNLDYERYNS